The following is an entry in ClinVar:

ClinVar aggregate classification (germline): Uncertain significance (1 of 4 stars; one submission).

Conditions:
LAMA2-related muscular dystrophy (LAMA2-RD). Also called: Laminin alpha 2-related dystrophy. Identifiers: MedGen C5679788, MONDO:0100228.

Allele frequency attached by ClinVar (database versions not stated): gnomAD exomes below 0.00001.
gnomAD v4.1: 1 of 1,613,910 alleles (0.000062%); highest among the groups gnomAD compares: African/African-American, 0.0013%; no homozygotes.

Submission:

Labcorp Genetics (formerly Invitae), Labcorp
Classification: Uncertain significance for LAMA2-related muscular dystrophy. Last evaluated: 2021-08-24. Review status: criteria provided, single submitter. Criteria: Invitae Variant Classification Sherloc (09022015). Collection method: clinical testing. Allele origin: germline.
Comment: This sequence change replaces aspartic acid with glutamic acid at codon 2074 of the LAMA2 protein (p.Asp2074Glu). The aspartic acid residue is moderately conserved and there is a small physicochemical difference between aspartic acid and glutamic acid. This variant is not present in population databases (ExAC no frequency). This variant has not been reported in the literature in individuals affected with LAMA2-related conditions. Algorithms developed to predict the effect of missense changes on protein structure and function (SIFT, PolyPhen-2, Align-GVGD) all suggest that this variant is likely to be tolerated. In summary, the available evidence is currently insufficient to determine the role of this variant in disease. Therefore, it has been classified as a Variant of Uncertain Significance.

NM_000426.4(LAMA2):c.6222C>G (p.Asp2074Glu)

Genes: LAMA2 (laminin subunit alpha 2; plus strand), LOC123864065 (Sharpr-MPRA regulatory region 661; plus strand). Cytogenetic location: 6q22.33.
Variant type: single nucleotide variant.
Coding change: c.6222C>G on transcript NM_000426.4 (MANE Select); coding-DNA position 6222, C replaced by G.
Protein change: p.Asp2074Glu; replaces aspartic acid 2074 with glutamic acid.
Molecular consequence: missense variant.
Genome position (GRCh38, 1-based): chr6:129,440,952, C>G. VCF-style: chr6-129440952-C-G. GRCh37 (hg19) VCF-style: chr6-129762097-C-G.
Other names: c.6222C>G, p.Asp2074Glu (NM_001079823.2); short protein forms D2074E.
Identifiers: ClinVar variation 1345096 (VCV001345096.5), dbSNP rs2114765766, ClinGen allele CA365629616.